The following is an entry in ClinVar:

ClinVar aggregate classification (germline): Uncertain significance (1 of 4 stars; one submission).

Conditions:
Long QT syndrome (LQTS). Identifiers: MedGen C0023976, MeSH D008133, MONDO:0002442. Disease mechanism: loss of function. Inheritance: Various modes of inheritance.

Allele frequency attached by ClinVar (database versions not stated): gnomAD exomes below 0.00001; gnomAD 0.00001.
gnomAD v4.1: 3 of 1,613,948 alleles (0.00019%); highest among the groups gnomAD compares: South Asian, 0.0033%; no homozygotes.

Submission:

Labcorp Genetics (formerly Invitae), Labcorp
Classification: Uncertain significance for Long QT syndrome. Last evaluated: 2021-09-01. Review status: criteria provided, single submitter. Criteria: Invitae Variant Classification Sherloc (09022015). Collection method: clinical testing. Allele origin: germline.
Comment: In summary, the available evidence is currently insufficient to determine the role of this variant in disease. Therefore, it has been classified as a Variant of Uncertain Significance. Algorithms developed to predict the effect of missense changes on protein structure and function are either unavailable or do not agree on the potential impact of this missense change (SIFT: "Deleterious"; PolyPhen-2: "Probably Damaging"; Align-GVGD: "Class C0"). This variant has not been reported in the literature in individuals affected with ANK2-related conditions. This variant is not present in population databases (ExAC no frequency). This sequence change replaces tryptophan with glycine at codon 3045 of the ANK2 protein (p.Trp3045Gly). The tryptophan residue is moderately conserved and there is a large physicochemical difference between tryptophan and glycine.

NM_001148.6(ANK2):c.9133T>G (p.Trp3045Gly)

Gene: ANK2 (ankyrin 2; plus strand). Cytogenetic location: 4q26.
Variant type: single nucleotide variant.
Coding change: c.9133T>G on transcript NM_001148.6 (MANE Select); coding-DNA position 9133, T replaced by G.
Protein change: p.Trp3045Gly; replaces tryptophan 3045 with glycine.
Molecular consequence: missense variant. On other transcripts: intron variant (68).
Genome position (GRCh38, 1-based): chr4:113,357,751, T>G. VCF-style: chr4-113357751-T-G. GRCh37 (hg19) VCF-style: chr4-114278907-T-G.
Other names: c.8899T>G, p.Trp2967Gly (NM_001386142.1); c.5533T>G, p.Trp1845Gly (NM_001386166.1); c.9274T>G, p.Trp3092Gly (NM_001386174.1); c.9250T>G, p.Trp3084Gly (NM_001386175.1); c.4412-3072T>G (NM_001386186.2, NM_001386148.2); c.4214-3072T>G (NM_001354269.3); c.4292-3072T>G (NM_001386187.2); c.4253-3072T>G (NM_001386147.1); and 35 more; short protein forms W2967G, W3092G, W1845G, W3084G, W3045G.
Identifiers: ClinVar variation 1479461 (VCV001479461.6), dbSNP rs1345598685, ClinGen allele CA357936660.
Genomic context (GRCh38, chr4:113,357,751, plus strand): 5'-GTTGTTGGTGAACAAATAAGCAAAGTCATCATCACAAAAACTGATGTGGATTCTGATTCT[T>G]GGAGTGAAATTCGGGAAGACGATGAAGCCTTTGAGGCTCGTGTGAAAGAGGAAGAACAAA-3'
Protein context (NP_001139.3, residues 3035-3055): ITKTDVDSDS[Trp3045Gly]SEIREDDEAF